The following is an entry in ClinVar:

NM_003647.3(DGKE):c.586A>T (p.Asn196Tyr)

Gene: DGKE (diacylglycerol kinase epsilon; plus strand). Cytogenetic location: 17q22.
Variant type: single nucleotide variant.
Coding change: c.586A>T on transcript NM_003647.3 (MANE Select); coding-DNA position 586, A replaced by T.
Protein change: p.Asn196Tyr; replaces asparagine 196 with tyrosine.
Molecular consequence: missense variant.
Genome position (GRCh38, 1-based): chr17:56,844,140, A>T. VCF-style: chr17-56844140-A-T. GRCh37 (hg19) VCF-style: chr17-54921501-A-T.
Other names: short protein forms N196Y.
Identifiers: ClinVar variation 3679574 (VCV003679574.2).

ClinVar aggregate classification (germline): Uncertain significance (1 of 4 stars; one submission).

gnomAD v4.1: 3 of 1,563,112 alleles (0.00019%); highest among the groups gnomAD compares: Non-Finnish European, 0.00026%; no homozygotes.

Submission:

Labcorp Genetics (formerly Invitae), Labcorp
Classification: Uncertain significance. Last evaluated: 2024-03-07. Review status: criteria provided, single submitter. Criteria: Invitae Variant Classification Sherloc (09022015). Collection method: clinical testing. Allele origin: germline.
Comment: This sequence change replaces asparagine, which is neutral and polar, with tyrosine, which is neutral and polar, at codon 196 of the DGKE protein (p.Asn196Tyr). This variant is not present in population databases (gnomAD no frequency). This variant has not been reported in the literature in individuals affected with DGKE-related conditions. Advanced modeling of protein sequence and biophysical properties (such as structural, functional, and spatial information, amino acid conservation, physicochemical variation, residue mobility, and thermodynamic stability) performed at Invitae indicates that this missense variant is not expected to disrupt DGKE protein function with a negative predictive value of 80%. In summary, the available evidence is currently insufficient to determine the role of this variant in disease. Therefore, it has been classified as a Variant of Uncertain Significance.